The following is an entry in ClinVar:

ClinVar aggregate classification (germline): Uncertain significance. Review status: criteria provided, multiple submitters, no conflicts (2 of 4 stars). 3 submissions from 3 submitters: Uncertain significance (3). Last evaluated 2026-03-30.

Conditions:
Inborn genetic diseases. Identifiers: MedGen C0950123, MeSH D030342.

Allele frequency attached by ClinVar (database versions not stated): ExAC 0.00008; 1000 Genomes Project 0.00040; gnomAD exomes 0.00004 and 0.00006; gnomAD 0.00017 and 0.00020; 1000 Genomes Project 30x 0.00031; ESP Exome Variant Server 0.00015; TOPMed 0.00023.
gnomAD v4.1: 84 of 1,610,248 alleles (0.0052%); highest among the groups gnomAD compares: African/African-American, 0.068%; no homozygotes.

Submissions (3):

Ambry Genetics
Classification: Uncertain significance for Inborn genetic diseases. Last evaluated: 2026-03-30. Review status: criteria provided, single submitter. Criteria: Ambry Variant Classification Scheme 2023. Collection method: clinical testing. Allele origin: germline.
Comment: The c.376G>A (p.E126K) alteration is located in exon 2 (coding exon 2) of the TRAPPC9 gene. This alteration results from a G to A substitution at nucleotide position 376, causing the glutamic acid (E) at amino acid position 126 to be replaced by a lysine (K). Based on data from gnomAD, the A allele has an overall frequency of 0.007% (20/277730) total alleles studied. The highest observed frequency was 0.069% (17/24714) of African alleles. Based on insufficient or conflicting evidence, the clinical significance of this alteration remains unclear.

Labcorp Genetics (formerly Invitae), Labcorp
Classification: Uncertain significance. Last evaluated: 2022-08-02. Review status: criteria provided, single submitter. Criteria: Invitae Variant Classification Sherloc (09022015). Collection method: clinical testing. Allele origin: germline.
Comment: This sequence change replaces glutamic acid, which is acidic and polar, with lysine, which is basic and polar, at codon 126 of the TRAPPC9 protein (p.Glu126Lys). This variant is present in population databases (rs151056818, gnomAD 0.07%). This variant has not been reported in the literature in individuals affected with TRAPPC9-related conditions. ClinVar contains an entry for this variant (Variation ID: 437041). Algorithms developed to predict the effect of missense changes on protein structure and function are either unavailable or do not agree on the potential impact of this missense change (SIFT: "Not Available"; PolyPhen-2: "Probably Damaging"; Align-GVGD: "Not Available"). In summary, the available evidence is currently insufficient to determine the role of this variant in disease. Therefore, it has been classified as a Variant of Uncertain Significance.

Genetic Services Laboratory, University of Chicago
Classification: Uncertain significance. Last evaluated: 2016-08-31. Review status: criteria provided, single submitter. Criteria: ACMG Guidelines, 2015. Collection method: clinical testing. Allele origin: germline. Affected: no.

NM_001160372.4(TRAPPC9):c.82G>A (p.Glu28Lys)

Gene: TRAPPC9 (trafficking protein particle complex subunit 9; minus strand). Cytogenetic location: 8q24.3.
Variant type: single nucleotide variant.
Coding change: c.82G>A on transcript NM_001160372.4 (MANE Select); coding-DNA position 82, G replaced by A.
Protein change: p.Glu28Lys; replaces glutamic acid 28 with lysine.
Molecular consequence: missense variant. On other transcripts: non-coding transcript variant (1).
Genome position (GRCh38, 1-based): chr8:140,451,292, C>T on the plus strand (G>A on the coding strand, the complement: TRAPPC9 is on the minus strand). VCF-style: chr8-140451292-C-T. GRCh37 (hg19) VCF-style: chr8-141461391-C-T.
Other names: c.82G>A, p.Glu28Lys (NM_001321646.2, NM_001374682.1, NM_001374683.1 and 2 more transcripts); c.376G>A (NM_031466.5); short protein forms E28K.
Identifiers: ClinVar variation 437041 (VCV000437041.11), dbSNP rs151056818, ClinGen allele CA4893801.